The following is an entry in ClinVar:

ClinVar aggregate classification (germline): Uncertain significance (1 of 4 stars; one submission).

Conditions:
Hereditary cancer-predisposing syndrome. Also called: Neoplastic Syndromes, Hereditary; Tumor predisposition; Hereditary neoplastic syndrome; Hereditary Cancer Syndrome. Identifiers: Orphanet 140162, MedGen C0027672, MeSH D009386, MONDO:0015356.

Allele frequency attached by ClinVar (database versions not stated): gnomAD exomes below 0.00001.
gnomAD v4.1: 2 of 1,614,046 alleles (0.00012%); highest among the groups gnomAD compares: Non-Finnish European, 0.00017%; no homozygotes.

Submission:

Ambry Genetics
Classification: Uncertain significance for Hereditary cancer-predisposing syndrome. Last evaluated: 2023-12-29. Review status: criteria provided, single submitter. Criteria: Ambry Variant Classification Scheme 2023. Collection method: clinical testing. Allele origin: germline.
Comment: The p.K124E variant (also known as c.370A>G), located in coding exon 2 of the TMEM127 gene, results from an A to G substitution at nucleotide position 370. The lysine at codon 124 is replaced by glutamic acid, an amino acid with similar properties. This amino acid position is conserved. In addition, this alteration is predicted to be deleterious by in silico analysis. Since supporting evidence is limited at this time, the clinical significance of this alteration remains unclear.

NM_017849.4(TMEM127):c.370A>G (p.Lys124Glu)

Gene: TMEM127 (transmembrane protein 127; minus strand). Cytogenetic location: 2q11.2.
Variant type: single nucleotide variant.
Coding change: c.370A>G on transcript NM_017849.4 (MANE Select); coding-DNA position 370, A replaced by G.
Protein change: p.Lys124Glu; replaces lysine 124 with glutamic acid.
Molecular consequence: missense variant.
Genome position (GRCh38, 1-based): chr2:96,254,872, T>C on the plus strand (A>G on the coding strand, the complement: TMEM127 is on the minus strand). VCF-style: chr2-96254872-T-C. GRCh37 (hg19) VCF-style: chr2-96920610-T-C.
Other names: c.370A>G, p.Lys124Glu (NM_001193304.3); c.118A>G, p.Lys40Glu (NM_001407282.1, NM_001407283.1); short protein forms K124E, K40E.
Identifiers: ClinVar variation 3227075 (VCV003227075.1), dbSNP rs1684169953, ClinGen allele CA347653324.
Genomic context (GRCh38, chr2:96,254,872, plus strand): 5'-GTGAGCAGGCTCACGGCTTACCCGTTAGGATATGGGCGAAGGCATAGCGACGAGTGATCT[T>C]CAGAGCAGGATGCTTCGGCCCAAAGACATCCAGAAGGAAAGCGGAGAGACTACACAGGAT-3'
Protein context (NP_060319.1, residues 114-134): DVFGPKHPAL[Lys124Glu]ITRRYAFAHI